The following is an entry in ClinVar:

ClinVar aggregate classification (germline): Pathogenic (1 of 4 stars; one submission).

Submission:

Labcorp Genetics (formerly Invitae), Labcorp
Classification: Pathogenic. Last evaluated: 2021-02-12. Review status: criteria provided, single submitter. Criteria: Invitae Variant Classification Sherloc (09022015). Collection method: clinical testing. Allele origin: germline.
Comment: For these reasons, this variant has been classified as Pathogenic. This variant has not been reported in the literature in individuals with LOXHD1-related conditions. ClinVar contains an entry for this variant (Variation ID: 857140). This variant is not present in population databases (ExAC no frequency). This sequence change creates a premature translational stop signal (p.Gln452*) in the LOXHD1 gene. It is expected to result in an absent or disrupted protein product. Loss-of-function variants in LOXHD1 are known to be pathogenic (PMID: 19732867, 21465660, 25792669).

Literature cited by the submitters: PubMed 19732867; PubMed 21465660; PubMed 25792669.

NM_001384474.1(LOXHD1):c.1354C>T (p.Gln452Ter)

Gene: LOXHD1 (lipoxygenase homology PLAT domains 1; minus strand). Cytogenetic location: 18q21.1.
Variant type: single nucleotide variant.
Coding change: c.1354C>T on transcript NM_001384474.1 (MANE Select); coding-DNA position 1354, C replaced by T.
Protein change: p.Gln452Ter; replaces glutamine 452 with a stop codon.
Molecular consequence: nonsense.
Genome position (GRCh38, 1-based): chr18:46,593,677, G>A on the plus strand (C>T on the coding strand, the complement: LOXHD1 is on the minus strand). VCF-style: chr18-46593677-G-A. GRCh37 (hg19) VCF-style: chr18-44173640-G-A.
Other names: c.1354C>T, p.Gln452Ter (NM_144612.7); short protein forms Q452*.
Identifiers: ClinVar variation 857140 (VCV000857140.7), dbSNP rs2038212764, ClinGen allele CA402380726.